The following is an entry in ClinVar:

ClinVar aggregate classification (germline): Uncertain significance. Review status: criteria provided, multiple submitters, no conflicts (2 of 4 stars). 2 submissions from 2 submitters: Uncertain significance (2). Last evaluated 2024-05-21.

gnomAD v4.1: 10 of 1,612,482 alleles (0.00062%); highest among the groups gnomAD compares: Non-Finnish European, 0.00085%; no homozygotes.

Submissions (2):

Labcorp Genetics (formerly Invitae), Labcorp
Classification: Uncertain significance. Last evaluated: 2024-05-21. Review status: criteria provided, single submitter. Criteria: Invitae Variant Classification Sherloc (09022015). Collection method: clinical testing. Allele origin: germline.
Comment: This sequence change replaces histidine, which is basic and polar, with arginine, which is basic and polar, at codon 310 of the CERKL protein (p.His310Arg). This variant is not present in population databases (gnomAD no frequency). This variant has not been reported in the literature in individuals affected with CERKL-related conditions. Advanced modeling of protein sequence and biophysical properties (such as structural, functional, and spatial information, amino acid conservation, physicochemical variation, residue mobility, and thermodynamic stability) has been performed at Invitae for this missense variant, however the output from this modeling did not meet the statistical confidence thresholds required to predict the impact of this variant on CERKL protein function. In summary, the available evidence is currently insufficient to determine the role of this variant in disease. Therefore, it has been classified as a Variant of Uncertain Significance.

Blueprint Genetics
Classification: Uncertain significance. Last evaluated: 2022-03-14. Review status: criteria provided, single submitter. Criteria: ACMG Guidelines, 2015. Collection method: clinical testing. Allele origin: germline.

NM_201548.5(CERKL):c.851A>G (p.His284Arg)

Gene: CERKL (CERK like autophagy regulator; minus strand). Cytogenetic location: 2q31.3.
Variant type: single nucleotide variant.
Coding change: c.851A>G on transcript NM_201548.5 (MANE Select); coding-DNA position 851, A replaced by G.
Protein change: p.His284Arg; replaces histidine 284 with arginine.
Molecular consequence: missense variant. On other transcripts: non-coding transcript variant (2).
Genome position (GRCh38, 1-based): chr2:181,549,678, T>C on the plus strand (A>G on the coding strand, the complement: CERKL is on the minus strand). VCF-style: chr2-181549678-T-C. GRCh37 (hg19) VCF-style: chr2-182414405-T-C.
Other names: c.929A>G, p.His310Arg (NM_001030311.3); c.512A>G, p.His171Arg (NM_001030312.3); c.644A>G, p.His215Arg (NM_001030313.3); c.797A>G, p.His266Arg (NM_001160277.2); short protein forms H171R, H215R, H284R, H310R, H266R.
Identifiers: ClinVar variation 3719922 (VCV003719922.2).